The following is an entry in ClinVar:

NM_000496.3(CRYBB2):c.592C>T (p.Arg198Cys)

Gene: CRYBB2 (crystallin beta B2; plus strand). Cytogenetic location: 22q11.23.
Variant type: single nucleotide variant.
Coding change: c.592C>T on transcript NM_000496.3 (MANE Select); coding-DNA position 592, C replaced by T.
Protein change: p.Arg198Cys; replaces arginine 198 with cysteine.
Molecular consequence: missense variant.
Genome position (GRCh38, 1-based): chr22:25,231,746, C>T. VCF-style: chr22-25231746-C-T. GRCh37 (hg19) VCF-style: chr22-25627713-C-T.
Other names: short protein forms R198C.
Identifiers: ClinVar variation 4987446 (VCV004987446.1).

ClinVar aggregate classification (germline): Uncertain significance (1 of 4 stars; one submission).

Conditions:
CRYBB2-related disorder. Also called: CRYBB2-related condition.

gnomAD v4.1: 50 of 1,613,946 alleles (0.0031%); highest among the groups gnomAD compares: Admixed American, 0.023%; no homozygotes.

Submission:

PreventionGenetics, part of Exact Sciences
Classification: Uncertain significance for CRYBB2-related condition. Last evaluated: 2025-04-23. Review status: criteria provided, single submitter. Criteria: ACMG Guidelines, 2015. Collection method: clinical testing. Allele origin: germline.
Comment: The CRYBB2 c.592C>T variant is predicted to result in the amino acid substitution p.Arg198Cys. This variant was reported in two unrelated individuals with cataracts (Karahan et al. 2021. PubMed ID: 33864186). This variant is reported in 0.031% of alleles in individuals of Latino descent in gnomAD. This variant falls within a highly paralogous region. Allele frequency data should be interpreted with caution. At this time, the clinical significance of this variant is uncertain due to the absence of conclusive functional and genetic evidence.